The following is an entry in ClinVar:

ClinVar aggregate classification (germline): Uncertain significance (1 of 4 stars; one submission).

Conditions:
Ataxia-telangiectasia syndrome (AT). Also called: LOUIS-BAR SYNDROME; Cerebello-oculocutaneous telangiectasia; Immunodeficiency with ataxia telangiectasia; Ataxia-telangiectasia, complementation group D; AT, COMPLEMENTATION GROUP C; ATAXIA-TELANGIECTASIA, COMPLEMENTATION GROUP A. Identifiers: Orphanet 100, MedGen C0004135, MONDO:0008840, OMIM 208900.

Submission:

Labcorp Genetics (formerly Invitae), Labcorp
Classification: Uncertain significance for Ataxia-telangiectasia syndrome. Last evaluated: 2025-11-11. Review status: criteria provided, single submitter. Criteria: Invitae Variant Classification Sherloc (09022015). Collection method: clinical testing. Allele origin: germline.
Comment: This sequence change replaces tyrosine, which is neutral and polar, with asparagine, which is neutral and polar, at codon 2371 of the ATM protein (p.Tyr2371Asn). This variant is not present in population databases (gnomAD no frequency). This variant has not been reported in the literature in individuals affected with ATM-related conditions. Invitae Evidence Modeling of protein sequence and biophysical properties (such as structural, functional, and spatial information, amino acid conservation, physicochemical variation, residue mobility, and thermodynamic stability) indicates that this missense variant is not expected to disrupt ATM protein function with a negative predictive value of 95%. In summary, the available evidence is currently insufficient to determine the role of this variant in disease. Therefore, it has been classified as a Variant of Uncertain Significance.

NM_000051.4(ATM):c.7111T>A (p.Tyr2371Asn)

Genes: ATM (ATM serine/threonine kinase; plus strand), C11orf65 (chromosome 11 open reading frame 65; minus strand). Cytogenetic location: 11q22.3.
Variant type: single nucleotide variant.
Coding change: c.7111T>A on transcript NM_000051.4 (MANE Select); coding-DNA position 7111, T replaced by A.
Protein change: p.Tyr2371Asn; replaces tyrosine 2371 with asparagine.
Molecular consequence: missense variant. On other transcripts: intron variant (2).
Genome position (GRCh38, 1-based): chr11:108,329,042, T>A. VCF-style: chr11-108329042-T-A. GRCh37 (hg19) VCF-style: chr11-108199769-T-A.
Other names: c.7111T>A, p.Tyr2371Asn (NM_001351834.2); c.641-19971A>T (NM_001330368.2); c.*38+6178A>T (NM_001351110.2); short protein forms Y2371N.
Identifiers: ClinVar variation 4762469 (VCV004762469.1).